The following is an entry in ClinVar:

ClinVar aggregate classification (germline): Conflicting classifications of pathogenicity. Review status: criteria provided, conflicting classifications (1 of 4 stars). 3 submissions from 3 submitters: Uncertain significance (1); Likely benign (1). 1 of the submissions does not count toward it. Last evaluated 2025-12-23.

Conditions:
VIPAS39-related disorder. Also called: VIPAS39-related condition.

Allele frequency attached by ClinVar (database versions not stated): gnomAD exomes 0.00006 and 0.00017; ExAC 0.00007; gnomAD 0.00007; TOPMed 0.00009; ESP Exome Variant Server 0.00015.
gnomAD v4.1: 253 of 1,614,126 alleles (0.016%); highest among the groups gnomAD compares: Non-Finnish European, 0.019%; no homozygotes.

Submissions (3):

Labcorp Genetics (formerly Invitae), Labcorp
Classification: Likely benign. Last evaluated: 2025-12-23. Review status: criteria provided, single submitter. Criteria: Invitae Variant Classification Sherloc (09022015). Collection method: clinical testing. Allele origin: germline.

Eurofins Ntd Llc (ga)
Classification: Uncertain significance. Last evaluated: 2018-01-19. Review status: criteria provided, single submitter. Criteria: EGL Classification Definitions 2015. Collection method: clinical testing. Allele origin: germline. Observed: 1 variant allele, 1 heterozygote.

PreventionGenetics, part of Exact Sciences
Classification: Likely benign for VIPAS39-related condition. Last evaluated: 2021-11-10. Review status: no assertion criteria provided. Collection method: clinical testing. Allele origin: germline. Not counted in ClinVar's aggregate classification.
Comment: This variant is classified as likely benign based on ACMG/AMP sequence variant interpretation guidelines (Richards et al. 2015 PMID: 25741868, with internal and published modifications).

NM_001193315.2(VIPAS39):c.78C>T (p.Asp26=)

Gene: VIPAS39 (VPS33B interacting protein, apical-basolateral polarity regulator, spe-39 homolog; minus strand). Cytogenetic location: 14q24.3.
Variant type: single nucleotide variant.
Coding change: c.78C>T on transcript NM_001193315.2 (MANE Select); coding-DNA position 78, C replaced by T.
Protein change: p.Asp26=; no amino-acid change (aspartic acid 26 retained).
Molecular consequence: synonymous variant.
Genome position (GRCh38, 1-based): chr14:77,454,025, G>A on the plus strand (C>T on the coding strand, the complement: VIPAS39 is on the minus strand). VCF-style: chr14-77454025-G-A. GRCh37 (hg19) VCF-style: chr14-77920368-G-A.
Other names: c.78C>T, p.Asp26= (NM_001193314.2, NM_001193316.2, NM_001193317.2 and 1 more transcripts).
Identifiers: ClinVar variation 595790 (VCV000595790.15), dbSNP rs112217896, ClinGen allele CA7288222.